The following is an entry in ClinVar:

NM_001271.4(CHD2):c.359C>T (p.Ser120Leu)

Gene: CHD2 (chromodomain helicase DNA binding protein 2; plus strand). Cytogenetic location: 15q26.1.
Variant type: single nucleotide variant.
Coding change: c.359C>T on transcript NM_001271.4 (MANE Select); coding-DNA position 359, C replaced by T.
Protein change: p.Ser120Leu; replaces serine 120 with leucine.
Molecular consequence: missense variant.
Genome position (GRCh38, 1-based): chr15:92,927,308, C>T. VCF-style: chr15-92927308-C-T. GRCh37 (hg19) VCF-style: chr15-93470538-C-T.
Other names: c.359C>T, p.Ser120Leu (NM_001042572.3); short protein forms S120L.
Identifiers: ClinVar variation 2664625 (VCV002664625.5), dbSNP rs900669371, ClinGen allele CA274854832.

ClinVar aggregate classification (germline): Uncertain significance. Review status: criteria provided, single submitter (1 of 4 stars). 2 submissions from 2 submitters: Uncertain significance (1). 1 of the submissions does not count toward it. Last evaluated 2025-07-23.

Conditions:
Developmental and epileptic encephalopathy 94 (DEE94). Also called: Epileptic encephalopathy, childhood-onset; CHD2-Related Neurodevelopmental Disorders. Identifiers: Orphanet 1942, Orphanet 2382, MedGen C3809278, MONDO:0014150, OMIM 615369.

Allele frequency attached by ClinVar (database versions not stated): TOPMed 0.00002; gnomAD 0.00003.
gnomAD v4.1: 29 of 1,613,266 alleles (0.0018%); highest among the groups gnomAD compares: South Asian, 0.0044%; no homozygotes.

Submissions (2):

Labcorp Genetics (formerly Invitae), Labcorp
Classification: Uncertain significance for Developmental and epileptic encephalopathy 94. Last evaluated: 2025-07-23. Review status: criteria provided, single submitter. Criteria: Invitae Variant Classification Sherloc (09022015). Collection method: clinical testing. Allele origin: germline.
Comment: This sequence change replaces serine, which is neutral and polar, with leucine, which is neutral and non-polar, at codon 120 of the CHD2 protein (p.Ser120Leu). This variant is present in population databases (no rsID available, gnomAD 0.004%). This variant has not been reported in the literature in individuals affected with CHD2-related conditions. ClinVar contains an entry for this variant (Variation ID: 2664625). Invitae Evidence Modeling of protein sequence and biophysical properties (such as structural, functional, and spatial information, amino acid conservation, physicochemical variation, residue mobility, and thermodynamic stability) indicates that this missense variant is not expected to disrupt CHD2 protein function with a negative predictive value of 95%. In summary, the available evidence is currently insufficient to determine the role of this variant in disease. Therefore, it has been classified as a Variant of Uncertain Significance.

Genetics and Genomic Medicine Centre, NeuroGen Healthcare, NeuroGen Healthcare
Classification: Uncertain significance. Last evaluated: 2020-09-02. Review status: no assertion criteria provided. Collection method: clinical testing. Allele origin: unknown. Affected: yes. Not counted in ClinVar's aggregate classification.